The following is an entry in ClinVar:

ClinVar aggregate classification (germline): Likely benign (1 of 4 stars; one submission).

Conditions:
HTT-related disorder. Also called: HTT-related condition.

Submission:

PreventionGenetics, part of Exact Sciences
Classification: Likely benign for HTT-related condition. Last evaluated: 2019-09-30. Review status: criteria provided, single submitter. Criteria: ACMG Guidelines, 2015. Collection method: clinical testing. Allele origin: germline.
Comment: This variant is classified as likely benign based on ACMG/AMP sequence variant interpretation guidelines (Richards et al. 2015 PMID: 25741868, with internal and published modifications).

NM_001388492.1(HTT):c.4080G>A (p.Met1360Ile)

Gene: HTT (huntingtin; plus strand). Cytogenetic location: 4p16.3.
Variant type: single nucleotide variant.
Coding change: c.4080G>A on transcript NM_001388492.1 (MANE Select); coding-DNA position 4080, G replaced by A.
Protein change: p.Met1360Ile; replaces methionine 1360 with isoleucine.
Molecular consequence: missense variant.
Genome position (GRCh38, 1-based): chr4:3,173,045, G>A. VCF-style: chr4-3173045-G-A. GRCh37 (hg19) VCF-style: chr4-3174772-G-A.
Other names: c.4086G>A, p.Met1362Ile (NM_002111.8); short protein forms M1360I, M1362I.
Identifiers: ClinVar variation 3040819 (VCV003040819.1), dbSNP rs2476129770, ClinGen allele CA356065607.